The following is an entry in ClinVar:

NM_001370259.2(MEN1):c.475T>G (p.Phe159Val)

Gene: MEN1 (menin 1; minus strand). Cytogenetic location: 11q13.1.
Variant type: single nucleotide variant.
Coding change: c.475T>G on transcript NM_001370259.2 (MANE Select); coding-DNA position 475, T replaced by G.
Protein change: p.Phe159Val; replaces phenylalanine 159 with valine.
Molecular consequence: missense variant. On other transcripts: non-coding transcript variant (4).
Genome position (GRCh38, 1-based): chr11:64,808,070, A>C on the plus strand (T>G on the coding strand, the complement: MEN1 is on the minus strand). VCF-style: chr11-64808070-A-C. GRCh37 (hg19) VCF-style: chr11-64575542-A-C.
Other names: c.490T>G, p.Phe164Val (NM_000244.4, NM_001407145.1, NM_001407150.1 and 5 more transcripts); c.475T>G, p.Phe159Val (NM_001370251.2, NM_001370260.2, NM_001370261.2 and 12 more transcripts); short protein forms F159V, F164V.
Identifiers: ClinVar variation 3229101 (VCV003229101.1), dbSNP rs2136158114, ClinGen allele CA381186200.

ClinVar aggregate classification (germline): Uncertain significance (1 of 4 stars; one submission).

Conditions:
Hereditary cancer-predisposing syndrome. Also called: Neoplastic Syndromes, Hereditary; Tumor predisposition; Hereditary neoplastic syndrome; Hereditary Cancer Syndrome. Identifiers: Orphanet 140162, MedGen C0027672, MeSH D009386, MONDO:0015356.

Submission:

Ambry Genetics
Classification: Uncertain significance for Hereditary cancer-predisposing syndrome. Last evaluated: 2022-12-05. Review status: criteria provided, single submitter. Criteria: Ambry Variant Classification Scheme 2023. Collection method: clinical testing. Allele origin: germline.
Comment: The p.F159V variant (also known as c.475T>G), located in coding exon 2 of the MEN1 gene, results from a T to G substitution at nucleotide position 475. The phenylalanine at codon 159 is replaced by valine, an amino acid with highly similar properties. This amino acid position is conserved. In addition, this alteration is predicted to be deleterious by in silico analysis. Since supporting evidence is limited at this time, the clinical significance of this alteration remains unclear.